The following is an entry in ClinVar:

NM_130468.4(CHST14):c.49C>T (p.Pro17Ser)

Genes: CHST14 (carbohydrate sulfotransferase 14; plus strand), LOC130056851 (ATAC-STARR-seq lymphoblastoid silent region 6336; plus strand). Cytogenetic location: 15q15.1.
Variant type: single nucleotide variant.
Coding change: c.49C>T on transcript NM_130468.4 (MANE Select); coding-DNA position 49, C replaced by T.
Protein change: p.Pro17Ser; replaces proline 17 with serine.
Molecular consequence: missense variant.
Genome position (GRCh38, 1-based): chr15:40,471,262, C>T. VCF-style: chr15-40471262-C-T. GRCh37 (hg19) VCF-style: chr15-40763461-C-T.
Other names: short protein forms P17S.
Identifiers: ClinVar variation 1744665 (VCV001744665.2), dbSNP rs752758290, ClinGen allele CA391761947.

ClinVar aggregate classification (germline): Uncertain significance (1 of 4 stars; one submission).

Conditions:
Cardiovascular phenotype. Identifiers: MedGen CN230736.

Allele frequency attached by ClinVar (database versions not stated): gnomAD exomes below 0.00001; TOPMed below 0.00001; gnomAD 0.00001.
gnomAD v4.1: 4 of 1,492,320 alleles (0.00027%); highest among the groups gnomAD compares: Admixed American, 0.0023%; no homozygotes.

Submission:

Ambry Genetics
Classification: Uncertain significance for Cardiovascular phenotype. Last evaluated: 2022-08-03. Review status: criteria provided, single submitter. Criteria: Ambry Variant Classification Scheme 2023. Collection method: clinical testing. Allele origin: germline.
Comment: The p.P17S variant (also known as c.49C>T), located in coding exon 1 of the CHST14 gene, results from a C to T substitution at nucleotide position 49. The proline at codon 17 is replaced by serine, an amino acid with similar properties. This amino acid position is conserved. In addition, this alteration is predicted to be tolerated by in silico analysis. Since supporting evidence is limited at this time, the clinical significance of this alteration remains unclear.